The following is an entry in ClinVar:

ClinVar aggregate classification (germline): Uncertain significance (1 of 4 stars; one submission).

Allele frequency attached by ClinVar (database versions not stated): gnomAD exomes below 0.00001; gnomAD 0.00001; ExAC 0.00002; TOPMed below 0.00001.
gnomAD v4.1: 8 of 1,613,614 alleles (0.0005%); highest among the groups gnomAD compares: Admixed American, 0.012%; no homozygotes.

Submission:

Labcorp Genetics (formerly Invitae), Labcorp
Classification: Uncertain significance. Last evaluated: 2025-12-21. Review status: criteria provided, single submitter. Criteria: Invitae Variant Classification Sherloc (09022015). Collection method: clinical testing. Allele origin: germline.
Comment: This sequence change replaces serine, which is neutral and polar, with phenylalanine, which is neutral and non-polar, at codon 2905 of the HMCN1 protein (p.Ser2905Phe). This variant is present in population databases (rs758228299, gnomAD 0.02%). This variant has not been reported in the literature in individuals affected with HMCN1-related conditions. ClinVar contains an entry for this variant (Variation ID: 2742038). An algorithm developed to predict the effect of missense changes on protein structure and function outputs the following: PolyPhen-2: "Probably Damaging". The phenylalanine amino acid residue is found in multiple mammalian species, which suggests that this missense change does not adversely affect protein function. In summary, the available evidence is currently insufficient to determine the role of this variant in disease. Therefore, it has been classified as a Variant of Uncertain Significance.

NM_031935.3(HMCN1):c.8714C>T (p.Ser2905Phe)

Gene: HMCN1 (hemicentin 1; plus strand). Cytogenetic location: 1q31.1.
Variant type: single nucleotide variant.
Coding change: c.8714C>T on transcript NM_031935.3 (MANE Select); coding-DNA position 8714, C replaced by T.
Protein change: p.Ser2905Phe; replaces serine 2905 with phenylalanine.
Molecular consequence: missense variant.
Genome position (GRCh38, 1-based): chr1:186,081,321, C>T. VCF-style: chr1-186081321-C-T. GRCh37 (hg19) VCF-style: chr1-186050453-C-T.
Other names: short protein forms S2905F.
Identifiers: ClinVar variation 2742038 (VCV002742038.3), dbSNP rs758228299, ClinGen allele CA1293200.